The following is an entry in ClinVar:

NM_012062.5(DNM1L):c.1760_1761delinsTA (p.Gly587Val)

Gene: DNM1L (dynamin 1 like; plus strand). Cytogenetic location: 12p11.21.
Variant type: Indel.
Coding change: c.1760_1761delinsTA on transcript NM_012062.5 (MANE Select); coding-DNA positions 1760 to 1761, GC replaced by TA.
Protein change: p.Gly587Val; replaces glycine 587 with valine.
Molecular consequence: missense variant.
Genome position (GRCh38, 1-based): chr12:32,740,116-32,740,117, GC replaced by TA. VCF-style: chr12-32740116-GC-TA. GRCh37 (hg19) VCF-style: chr12-32893050-GC-TA.
Other names: c.1727_1728delinsTA, p.Gly576Val (NM_001278463.2); c.1799_1800delinsTA, p.Gly600Val (NM_001278464.2); c.1766_1767delinsTA, p.Gly589Val (NM_001278465.2); c.1151_1152delinsTA, p.Gly384Val (NM_001278466.2); c.1688_1689delinsTA, p.Gly563Val (NM_001330380.2); c.1649_1650delinsTA, p.Gly550Val (NM_005690.5); c.1682_1683delinsTA, p.Gly561Val (NM_012063.4); short protein forms G563V, G589V, G600V, G384V, G561V, G576V, G587V, G550V.
Identifiers: ClinVar variation 3572443 (VCV003572443.1).

ClinVar aggregate classification (germline): Uncertain significance (1 of 4 stars; one submission).

Submission:

GeneDx
Classification: Uncertain significance. Last evaluated: 2024-07-12. Review status: criteria provided, single submitter. Criteria: GeneDx Variant Classification Process June 2021. Collection method: clinical testing. Allele origin: germline. Affected: yes.
Comment: Not observed at significant frequency in large population cohorts (gnomAD); In silico analysis supports a deleterious effect on protein structure/function; Has not been previously published as pathogenic or benign to our knowledge